The following is an entry in ClinVar:

NM_004360.5(CDH1):c.158G>A (p.Gly53Asp)

Gene: CDH1 (cadherin 1; plus strand). Cytogenetic location: 16q22.1.
Variant type: single nucleotide variant.
Coding change: c.158G>A on transcript NM_004360.5 (MANE Select); coding-DNA position 158, G replaced by A.
Protein change: p.Gly53Asp; replaces glycine 53 with aspartic acid.
Molecular consequence: missense variant. On other transcripts: 5 prime UTR variant (2).
Genome position (GRCh38, 1-based): chr16:68,738,406, G>A. VCF-style: chr16-68738406-G-A. GRCh37 (hg19) VCF-style: chr16-68772309-G-A.
Other names: c.158G>A (LRG_301t1); c.158G>A, p.Gly53Asp (NM_001317184.2); c.-1458G>A (NM_001317185.2); c.-1662G>A (NM_001317186.2); short protein forms G53D.
Identifiers: ClinVar variation 489849 (VCV000489849.7), dbSNP rs876659692, ClinGen allele CA396452319.
Genomic context (GRCh38, chr16:68,738,406, plus strand): 5'-ACGCCGAGAGCTACACGTTCACGGTGCCCCGGCGCCACCTGGAGAGAGGCCGCGTCCTGG[G>A]CAGAGGTGAGGGCGCGCTGCCGGTGTCCCTGGGCGGAGTAGGGAGGGGTTGGAAAGGGGC-3'
Protein context (NP_004351.1, residues 43-63): RRHLERGRVL[Gly53Asp]RVNFEDCTGR

ClinVar aggregate classification (germline): Uncertain significance. Review status: criteria provided, multiple submitters, no conflicts (2 of 4 stars). 2 submissions from 2 submitters: Uncertain significance (2). Last evaluated 2024-12-12.

Conditions:
Hereditary cancer-predisposing syndrome. Also called: Hereditary Cancer Syndrome; Neoplastic Syndromes, Hereditary; Tumor predisposition; Hereditary neoplastic syndrome. Identifiers: Orphanet 140162, MedGen C0027672, MeSH D009386, MONDO:0015356.

gnomAD v4.1: 1 of 1,545,422 alleles (0.000065%); highest among the groups gnomAD compares: South Asian, 0.0012%; no homozygotes.

Submissions (2):

Ambry Genetics
Classification: Uncertain significance for Hereditary cancer-predisposing syndrome. Last evaluated: 2024-12-12. Review status: criteria provided, single submitter. Criteria: Ambry Variant Classification Scheme 2023. Collection method: clinical testing. Allele origin: germline.
Comment: The p.G53D variant (also known as c.158G>A), located in coding exon 2 of the CDH1 gene, results from a G to A substitution at nucleotide position 158. The glycine at codon 53 is replaced by aspartic acid, an amino acid with similar properties. This amino acid position is conserved. In addition, the in silico prediction for this alteration is inconclusive. Based on the available evidence, the clinical significance of this variant remains unclear.

Color Diagnostics, LLC DBA Color Health
Classification: Uncertain significance for Hereditary cancer-predisposing syndrome. Last evaluated: 2023-12-05. Review status: criteria provided, single submitter. Criteria: ACMG Guidelines, 2015. Collection method: clinical testing. Allele origin: germline.
Comment: This missense variant replaces glycine with aspartic acid at codon 53 of the CDH1 protein. To our knowledge, functional studies have not been reported for this variant. This variant has not been reported in individuals affected with CDH1-related disorders in the literature. This variant has not been identified in the general population by the Genome Aggregation Database (gnomAD). The available evidence is insufficient to determine the role of this variant in disease conclusively. Therefore, this variant is classified as a Variant of Uncertain Significance.